The following is an entry in ClinVar:

ClinVar aggregate classification (germline): Uncertain significance (1 of 4 stars; one submission).

gnomAD v4.1: 8 of 693,582 alleles (0.0012%); highest among the groups gnomAD compares: South Asian, 0.003%; no homozygotes.

Submission:

Labcorp Genetics (formerly Invitae), Labcorp
Classification: Uncertain significance. Last evaluated: 2023-12-26. Review status: criteria provided, single submitter. Criteria: Invitae Variant Classification Sherloc (09022015). Collection method: clinical testing. Allele origin: germline.
Comment: This variant occurs in the RNU4ATAC gene, which encodes an RNA molecule that does not result in a protein product. This variant is not present in population databases (gnomAD no frequency). This variant has not been reported in the literature in individuals affected with RNU4ATAC-related conditions. ClinVar contains an entry for this variant (Variation ID: 1913571). Experimental studies and prediction algorithms are not available or were not evaluated, and the functional significance of this variant is currently unknown. In summary, the available evidence is currently insufficient to determine the role of this variant in disease. Therefore, it has been classified as a Variant of Uncertain Significance.

NC_000002.12:g.121530890T>C

Genes: CLASP1 (cytoplasmic linker associated protein 1; minus strand), CLASP1-AS1 (CLASP1 antisense RNA 1; plus strand), RNU4ATAC (RNA, U4atac small nuclear; plus strand). Cytogenetic location: 2q14.2.
Variant type: single nucleotide variant.
Molecular consequence: intron variant (on NM_001395891.1).
Genome position: GRCh38 VCF-style: chr2-121530890-T-C. GRCh37 (hg19) VCF-style: chr2-122288466-T-C.
Other names: c.196-565A>G (NM_001378003.1, NM_001395891.1, NM_001378004.1 and 5 more transcripts).
Identifiers: ClinVar variation 1913571 (VCV001913571.5), dbSNP rs909175867, ClinGen allele CA54810758.
Genomic context (GRCh38, chr2:121,530,890, plus strand): 5'-CCTACCAGGTATTGGCGCTTCCTGCTTGCAGCCCAGGGACTTTCTATTATAACCATCCTT[T>C]TCTTGGGGTTGCGCTACTGTCCAATGAGCGCATAGTGAGGGCAGTACTGCTAACGCCTGA-3'